The following is an entry in ClinVar:

NC_000013.11:g.26440969_26443305del

Variant type: Deletion.
Genome position: GRCh38: chr13:26,440,969-26,443,305. GRCh37 (hg19): chr13:27,015,106-27,017,442.
Identifiers: ClinVar variation 157270 (VCV000157270.3), ClinGen allele CA212352.

ClinVar aggregate classification (germline): not provided (0 of 4 stars; one submission).

Conditions:
Normal pregnancy. Identifiers: MedGen C0232989.

Submission:

Institute of Molecular and Cell Biology, University of Tartu
No classification provided. Condition: Normal pregnancy. Review status: no classification provided. Collection method: case-control. Allele origin: unknown. Affected: yes. Study: Kasak2014.
Comment: The study aimed to determine the contribution of copy number variants in the genetic etiology of normal and complicated pregnancies. The samples represented (i) maternal blood DNA drawn from healthy pregnant women during 1st or 2nd trimester and (ii) maternal and paternal blood DNA drawn at term pregnancy cases representing normal and complicated gestations (severe preeclampsia, PE; gestational diabetes, GD; small-for-gestational age newborn, SGA; large-for-gestational age newborn, LGA). We performed CNV calling based on genome-wide genotyping dataset (Illumina HumanOmniExpress-24-v1 BeadChip) by applying three algorithms, QuantiSNP, GADA (Genome Alteration Detection Algorithm) and CNstream in parallel. The acquired CNV calls were merged with HD-CNV (Hotspot Detector for Copy Number Variants) program and only the CNVs predicted by at least two programs, were considered in subsequent analysis.

Literature cited by the submitters: PubMed 25666259.